The following is an entry in ClinVar:

NM_006245.4(PPP2R5D):c.126C>G (p.Pro42=)

Gene: PPP2R5D (protein phosphatase 2 regulatory subunit B'delta; plus strand). Cytogenetic location: 6p21.1.
Variant type: single nucleotide variant.
Coding change: c.126C>G on transcript NM_006245.4 (MANE Select); coding-DNA position 126, C replaced by G.
Protein change: p.Pro42=; no amino-acid change (proline 42 retained).
Molecular consequence: synonymous variant. On other transcripts: 5 prime UTR variant (1), intron variant (1).
Genome position (GRCh38, 1-based): chr6:43,006,483, C>G. VCF-style: chr6-43006483-C-G. GRCh37 (hg19) VCF-style: chr6-42974221-C-G.
Other names: c.-328C>G (NM_001270476.2); c.126C>G, p.Pro42= (NM_180976.3); c.28-451C>G (NM_180977.3).
Identifiers: ClinVar variation 4887327 (VCV004887327.1).

ClinVar aggregate classification (germline): Likely benign (1 of 4 stars; one submission).

gnomAD v4.1: 3 of 1,613,310 alleles (0.00019%); highest among the groups gnomAD compares: Admixed American, 0.0017%; no homozygotes.

Submission:

Women's Health and Genetics/Laboratory Corporation of America, LabCorp
Classification: Likely benign. Last evaluated: 2026-06-11. Review status: criteria provided, single submitter. Criteria: LabCorp Variant Classification Summary - May 2015. Collection method: clinical testing. Allele origin: germline.
Comment: Variant summary: PPP2R5D c.126C>G alters a conserved nucleotide resulting in a synonymous change. Consensus agreement among computation tools predict no significant impact on normal splicing. However, these predictions have yet to be confirmed by functional studies. The variant allele was found at a frequency of 8.1e-06 in 246774 control chromosomes. The available data on variant occurrences in the general population are insufficient to allow any conclusion about variant significance. To our knowledge, no occurrence of c.126C>G in individuals affected with PPP2R5D-related conditions and no experimental evidence demonstrating its impact on protein function have been reported. ClinVar contains an entry for this variant (Variation ID: 2802414). Based on the evidence outlined above, the variant was classified as likely benign.